The following is an entry in ClinVar:

ClinVar aggregate classification (germline): Likely benign (0 of 4 stars; one submission).

Conditions:
DGKQ-related disorder. Also called: DGKQ-related condition.

Allele frequency attached by ClinVar (database versions not stated): gnomAD 0.00003; TOPMed 0.00003.
gnomAD v4.1: 35 of 1,594,826 alleles (0.0022%); highest among the groups gnomAD compares: South Asian, 0.0077%; no homozygotes.

Submission:

PreventionGenetics, part of Exact Sciences
Classification: Likely benign for DGKQ-related condition. Last evaluated: 2019-02-28. Review status: no assertion criteria provided. Collection method: clinical testing. Allele origin: germline.
Comment: This variant is classified as likely benign based on ACMG/AMP sequence variant interpretation guidelines (Richards et al. 2015 PMID: 25741868, with internal and published modifications).

NM_001347.4(DGKQ):c.1884C>T (p.Pro628=)

Gene: DGKQ (diacylglycerol kinase theta; minus strand). Cytogenetic location: 4p16.3.
Variant type: single nucleotide variant.
Coding change: c.1884C>T on transcript NM_001347.4 (MANE Select); coding-DNA position 1884, C replaced by T.
Protein change: p.Pro628=; no amino-acid change (proline 628 retained).
Molecular consequence: synonymous variant.
Genome position (GRCh38, 1-based): chr4:963,141, G>A on the plus strand (C>T on the coding strand, the complement: DGKQ is on the minus strand). VCF-style: chr4-963141-G-A. GRCh37 (hg19) VCF-style: chr4-956929-G-A.
Identifiers: ClinVar variation 3046447 (VCV003046447.2), dbSNP rs754687362, ClinGen allele CA91130094.